The following is an entry in ClinVar:

ClinVar aggregate classification (germline): Benign/Likely benign. Review status: criteria provided, multiple submitters, no conflicts (2 of 4 stars). 3 submissions from 3 submitters: Benign (1); Likely benign (1). 1 of the submissions does not count toward it. Last evaluated 2025-12-13.

Conditions:
KIF14-related disorder. Also called: KIF14-related condition.

Allele frequency attached by ClinVar (database versions not stated): gnomAD exomes 0.00007; ExAC 0.00021; ESP Exome Variant Server 0.00054; gnomAD 0.00062; TOPMed 0.00079; 1000 Genomes Project 30x 0.00094; 1000 Genomes Project 0.00100.
gnomAD v4.1: 196 of 1,613,884 alleles (0.012%); highest among the groups gnomAD compares: African/African-American, 0.25%; 1 homozygote.

Submissions (3):

Labcorp Genetics (formerly Invitae), Labcorp
Classification: Benign. Last evaluated: 2025-12-13. Review status: criteria provided, single submitter. Criteria: Invitae Variant Classification Sherloc (09022015). Collection method: clinical testing. Allele origin: germline.

Women's Health and Genetics/Laboratory Corporation of America, LabCorp
Classification: Likely benign. Last evaluated: 2025-10-23. Review status: criteria provided, single submitter. Criteria: LabCorp Variant Classification Summary - May 2015. Collection method: clinical testing. Allele origin: germline.

PreventionGenetics, part of Exact Sciences
Classification: Likely benign for KIF14-related condition. Last evaluated: 2019-05-31. Review status: no assertion criteria provided. Collection method: clinical testing. Allele origin: germline. Not counted in ClinVar's aggregate classification.
Comment: This variant is classified as likely benign based on ACMG/AMP sequence variant interpretation guidelines (Richards et al. 2015 PMID: 25741868, with internal and published modifications).

NM_014875.3(KIF14):c.79C>T (p.Leu27=)

Gene: KIF14 (kinesin family member 14; minus strand). Cytogenetic location: 1q32.1.
Variant type: single nucleotide variant.
Coding change: c.79C>T on transcript NM_014875.3 (MANE Select); coding-DNA position 79, C replaced by T.
Protein change: p.Leu27=; no amino-acid change (leucine 27 retained).
Molecular consequence: synonymous variant. On other transcripts: 5 prime UTR variant (1).
Genome position (GRCh38, 1-based): chr1:200,618,645, G>A on the plus strand (C>T on the coding strand, the complement: KIF14 is on the minus strand). VCF-style: chr1-200618645-G-A. GRCh37 (hg19) VCF-style: chr1-200587773-G-A.
Other names: c.-1307C>T (NM_001305792.1).
Identifiers: ClinVar variation 3041675 (VCV003041675.4), dbSNP rs147030096, ClinGen allele CA1318096.